The following is an entry in ClinVar:

NM_001127208.3(TET2):c.2269C>T (p.Leu757Phe)

Genes: TET2 (tet methylcytosine dioxygenase 2; plus strand), TET2-AS1 (TET2 antisense RNA 1; minus strand). Cytogenetic location: 4q24.
Variant type: single nucleotide variant.
Coding change: c.2269C>T on transcript NM_001127208.3 (MANE Select); coding-DNA position 2269, C replaced by T.
Protein change: p.Leu757Phe; replaces leucine 757 with phenylalanine.
Molecular consequence: missense variant.
Genome position (GRCh38, 1-based): chr4:105,236,211, C>T. VCF-style: chr4-105236211-C-T. GRCh37 (hg19) VCF-style: chr4-106157368-C-T.
Other names: c.2269C>T, p.Leu757Phe (NM_017628.4); short protein forms L757F.
Identifiers: ClinVar variation 4865602 (VCV004865602.1).

ClinVar aggregate classification (germline): Uncertain significance (1 of 4 stars; one submission).

gnomAD v4.1: 1 of 1,614,042 alleles (0.000062%); highest among the groups gnomAD compares: South Asian, 0.0011%; no homozygotes.

Submission:

Ambry Genetics
Classification: Uncertain significance. Last evaluated: 2026-06-04. Review status: criteria provided, single submitter. Criteria: Ambry Variant Classification Scheme 2023. Collection method: clinical testing. Allele origin: germline.
Comment: The p.L757F variant (also known as c.2269C>T), located in coding exon 1 of the TET2 gene, results from a C to T substitution at nucleotide position 2269. The leucine at codon 757 is replaced by phenylalanine, an amino acid with highly similar properties. This amino acid position is conserved. In addition, this alteration is predicted to be tolerated by in silico analysis. Based on the available evidence, the clinical significance of this variant remains unclear.